The following is an entry in ClinVar:

ClinVar aggregate classification (germline): Uncertain significance (1 of 4 stars; one submission).

Conditions:
Charcot-Marie-Tooth disease type 4. Also called: Charcot-Marie-Tooth disease, type IV; Charcot-Marie-Tooth, Type 4. Identifiers: Orphanet 64749, MedGen C4082197, MONDO:0018995.

Allele frequency attached by ClinVar (database versions not stated): gnomAD exomes below 0.00001; TOPMed below 0.00001; gnomAD 0.00001.

Submission:

Labcorp Genetics (formerly Invitae), Labcorp
Classification: Uncertain significance for Charcot-Marie-Tooth disease type 4. Last evaluated: 2019-09-24. Review status: criteria provided, single submitter. Criteria: Invitae Variant Classification Sherloc (09022015). Collection method: clinical testing. Allele origin: germline.
Comment: In summary, the available evidence is currently insufficient to determine the role of this variant in disease. Therefore, it has been classified as a Variant of Uncertain Significance. Algorithms developed to predict the effect of missense changes on protein structure and function are either unavailable or do not agree on the potential impact of this missense change (SIFT: "Tolerated"; PolyPhen-2: "Probably Damaging"; Align-GVGD: "Class C15"). This variant has not been reported in the literature in individuals with SH3TC2-related conditions. This variant is not present in population databases (ExAC no frequency). This sequence change replaces aspartic acid with tyrosine at codon 681 of the SH3TC2 protein (p.Asp681Tyr). The aspartic acid residue is highly conserved and there is a large physicochemical difference between aspartic acid and tyrosine.

NM_024577.4(SH3TC2):c.2041G>T (p.Asp681Tyr)

Gene: SH3TC2 (SH3 domain and tetratricopeptide repeats 2; minus strand). Cytogenetic location: 5q32.
Variant type: single nucleotide variant.
Coding change: c.2041G>T on transcript NM_024577.4 (MANE Select); coding-DNA position 2041, G replaced by T.
Protein change: p.Asp681Tyr; replaces aspartic acid 681 with tyrosine.
Molecular consequence: missense variant.
Genome position (GRCh38, 1-based): chr5:149,027,691, C>A on the plus strand (G>T on the coding strand, the complement: SH3TC2 is on the minus strand). VCF-style: chr5-149027691-C-A. GRCh37 (hg19) VCF-style: chr5-148407254-C-A.
Other names: short protein forms D681Y.
Identifiers: ClinVar variation 960691 (VCV000960691.7), dbSNP rs1329516289, ClinGen allele CA361667204.